The following is an entry in ClinVar:

ClinVar aggregate classification (germline): Likely benign (1 of 4 stars; one submission).

Allele frequency attached by ClinVar (database versions not stated): gnomAD exomes below 0.00001.
gnomAD v4.1: 1 of 1,613,344 alleles (0.000062%); highest among the groups gnomAD compares: Non-Finnish European, 0.000085%; no homozygotes.

Submission:

CeGaT Center for Human Genetics Tuebingen
Classification: Likely benign. Last evaluated: 2023-03-01. Review status: criteria provided, single submitter. Criteria: CeGaT Center For Human Genetics Tuebingen Variant Classification Criteria Version 2. Collection method: clinical testing. Allele origin: germline. Affected: yes. Observed: 1 variant allele.
Comment: ZNF214: PM2:Supporting, BP4, BP7

NM_013249.4(ZNF214):c.594A>G (p.Pro198=)

Gene: ZNF214 (zinc finger protein 214; minus strand). Cytogenetic location: 11p15.4.
Variant type: single nucleotide variant.
Coding change: c.594A>G on transcript NM_013249.4 (MANE Select); coding-DNA position 594, A replaced by G.
Protein change: p.Pro198=; no amino-acid change (proline 198 retained).
Molecular consequence: synonymous variant.
Genome position (GRCh38, 1-based): chr11:7,001,089, T>C on the plus strand (A>G on the coding strand, the complement: ZNF214 is on the minus strand). VCF-style: chr11-7001089-T-C. GRCh37 (hg19) VCF-style: chr11-7022320-T-C.
Other names: c.627A>G, p.Pro209= (NM_001354830.2); c.594A>G, p.Pro198= (NM_001354831.2, NM_001354832.2); c.552A>G, p.Pro184= (NM_001354833.2).
Identifiers: ClinVar variation 2641572 (VCV002641572.24), dbSNP rs2494136239, ClinGen allele CA473248118.
Genomic context (GRCh38, chr11:7,001,089, plus strand): 5'-GTACTTTTCTTCCATTGAATCTCTCAGTAGGTCTTCTTGACATATCACCCCAACATACTG[T>C]GGAAGGGCTTCCTCCACTGGGATATAAGAATGCTGAACTATGAGCTTCTGTTCTTTTTCC-3'
Protein context (NP_037381.2, residues 188-208): HSYIPVEEAL[Pro198=]QYVGVICQED